The following is an entry in ClinVar:

ClinVar aggregate classification (germline): Pathogenic/Likely pathogenic. Review status: criteria provided, multiple submitters, no conflicts (2 of 4 stars). 5 submissions from 5 submitters: Pathogenic (4); Likely pathogenic (1). Last evaluated 2026-05-18.

Conditions:
Spermatogenic failure 18. Identifiers: MedGen C4539783, MONDO:0054615, OMIM 617576.
DNAH1-related disorders.
DNAH1-related disorder. Also called: DNAH1-related condition.
Ciliary dyskinesia, primary, 37 (CILD37). Also called: CILIARY DYSKINESIA, PRIMARY, 37, WITH OR WITHOUT SITUS INVERSUS. Identifiers: MedGen C4539798, MONDO:0033204, OMIM 617577.

Submissions (5):

PreventionGenetics, part of Exact Sciences
Classification: Pathogenic for DNAH1-related condition. Last evaluated: 2026-05-18. Review status: criteria provided, single submitter. Criteria: ACMG Guidelines, 2015. Collection method: clinical testing. Allele origin: germline.
Comment: The DNAH1 c.10468_10471delAGAG variant is predicted to result in a frameshift and premature protein termination (p.Arg3490Glnfs*4). This variant has been reported in a cohort of individuals with primary ciliary dyskinesia (PCD) from Puerto Rico (De Jesús-Rojas et al. 2022. PubMed ID: 35626283). This variant is reported in 0.020% of alleles in individuals of Latino descent in gnomAD. Frameshift variants in DNAH1 are expected to be pathogenic. This variant is interpreted as pathogenic.

Labcorp Genetics (formerly Invitae), Labcorp
Classification: Pathogenic for Ciliary dyskinesia, primary, 37; Spermatogenic failure 18. Last evaluated: 2026-01-25. Review status: criteria provided, single submitter. Criteria: Invitae Variant Classification Sherloc (09022015). Collection method: clinical testing. Allele origin: germline.
Comment: This sequence change creates a premature translational stop signal (p.Arg3490Glnfs*4) in the DNAH1 gene. It is expected to result in an absent or disrupted protein product. Loss-of-function variants in DNAH1 are known to be pathogenic (PMID: 27573432, 27798045). This variant is present in population databases (rs759646845, gnomAD 0.02%). This variant has not been reported in the literature in individuals affected with DNAH1-related conditions. ClinVar contains an entry for this variant (Variation ID: 578911). For these reasons, this variant has been classified as Pathogenic.

Foundation for Research in Genetics and Endocrinology, FRIGE's Institute of Human Genetics
Classification: Pathogenic for Spermatogenic failure 18. Last evaluated: 2024-08-20. Review status: criteria provided, single submitter. Criteria: ACMG Guidelines, 2015. Collection method: clinical testing. Allele origin: germline. Inheritance: Autosomal recessive inheritance. Affected: yes. Observed: 1 homozygote.
Comment: A homozygous deletion variant in exon 65 of the DNAH1 gene (chr3: 52427030-CAGAG-C) that results in frameshift and premature translational stop signal (p.Arg3490Glnfs*4) in the DNAH1 gene was detected. Loss of function variants in the DNAH1 gene are known to be pathogenic (PMID: 27573432, 27798045). The p.Arg3490Glnfs*4 variant has population database with a frequency of 0.02% in the gnomAD exomes (rs759646845) and 0.0468% in 1000Genomes. In silico prediction suggest the variants to be damaging by PolyPhen2, MutationTaster, SIFT, REVEL and CADD. The gene is predominantly expressed in trachea and testis, 2 tissues containing axonemal structures and also expressed in brain, according to the Human Protein Atlas database. Based on the above evidence, the variant is classified as pathogenic according to the ACMG-AMP classification system and ClinGen framework.

Blueprint Genetics
Classification: Likely pathogenic for DNAH1-related disorders. Last evaluated: 2024-05-29. Review status: criteria provided, single submitter. Criteria: ACMG Guidelines, 2015. Collection method: clinical testing. Allele origin: germline. Affected: yes. Observed: 5 variant alleles.

Juno Genomics, Hangzhou Juno Genomics, Inc
Classification: Pathogenic for Spermatogenic failure 18; Ciliary dyskinesia, primary, 37. Review status: criteria provided, single submitter. Criteria: ACMG Guidelines, 2015. Collection method: clinical testing. Allele origin: germline. Affected: yes.
Comment: Absent from controls (or at extremely low frequency if recessive) in Genome Aggregation Database.;Null variant in a gene where loss of function (LOF) is a known mechanism of disease.;For recessive disorders, detected in trans with a pathogenic variant.;Patient's phenotype or family history is highly specific for a disease with a single genetic etiology.

Literature cited by the submitters: PubMed 27573432 (cited by Labcorp Genetics (formerly Invitae), Labcorp); PubMed 27798045 (cited by Labcorp Genetics (formerly Invitae), Labcorp).

NM_015512.5(DNAH1):c.10468_10471del (p.Arg3490fs)

Gene: DNAH1 (dynein axonemal heavy chain 1; plus strand). Cytogenetic location: 3p21.1.
Variant type: Microsatellite.
Coding change: c.10468_10471del on transcript NM_015512.5 (MANE Select); coding-DNA positions 10468 to 10471, 4 bases deleted (AGAG; older notation c.10468_10471delAGAG).
Protein change: p.Arg3490fs; shifts the reading frame from arginine 3490.
Molecular consequence: frameshift variant.
Genome position (GRCh38, 1-based): chr3:52,393,019-52,393,022, AGAG deleted; deleting any 4 consecutive bases within chr3:52,393,015-52,393,022 gives the same sequence; the c. name uses the placement nearest the transcript's 3' end. VCF-style (leftmost placement, unchanged base first): chr3-52393014-CAGAG-C. GRCh37 (hg19) VCF-style: chr3-52427030-CAGAG-C.
Other names: p.Arg3490Glnfs*4; c.10468_10471del (NM_015512.4); short protein forms R3490fs.
Identifiers: ClinVar variation 578911 (VCV000578911.14), dbSNP rs759646845, ClinGen allele CA2435840.